The following is an entry in ClinVar:

NM_001267550.2(TTN):c.80146A>T (p.Lys26716Ter)

Genes: TTN (titin; minus strand), TTN-AS1 (TTN antisense RNA 1; plus strand). Cytogenetic location: 2q31.2.
Variant type: single nucleotide variant.
Coding change: c.80146A>T on transcript NM_001267550.2 (MANE Select); coding-DNA position 80146, A replaced by T.
Protein change: p.Lys26716Ter; replaces lysine 26716 with a stop codon.
Molecular consequence: nonsense.
Genome position (GRCh38, 1-based): chr2:178,565,986, T>A on the plus strand (A>T on the coding strand, the complement: TTN is on the minus strand). VCF-style: chr2-178565986-T-A. GRCh37 (hg19) VCF-style: chr2-179430713-T-A.
Other names: c.75223A>T, p.Lys25075Ter (NM_001256850.1); c.52951A>T, p.Lys17651Ter (NM_003319.4); c.72442A>T, p.Lys24148Ter (NM_133378.4); c.53326A>T, p.Lys17776Ter (NM_133432.3); c.53527A>T, p.Lys17843Ter (NM_133437.4); short protein forms K17651*, K17776*, K17843*, K24148*, K25075*, K26716*.
Identifiers: ClinVar variation 1327353 (VCV001327353.2), dbSNP rs902372912, ClinGen allele CA349590882.
Genomic context (GRCh38, chr2:178,565,986, plus strand): 5'-TACTACTCACATTAGCATACGCTTTTCTGGTTGACTCACGTTTGTCAATCACATAGTTCT[T>A]GACCTTTGCCCCTCCATCAATGATGGGTGGCTCCCATACCAGGAAGGCAGAATCTTTTCT-3'

ClinVar aggregate classification (germline): Likely pathogenic (1 of 4 stars; one submission).

Submission:

GeneDx
Classification: Likely pathogenic. Last evaluated: 2021-11-29. Review status: criteria provided, single submitter. Criteria: GeneDx Variant Classification Process June 2021. Collection method: clinical testing. Allele origin: germline. Affected: yes.
Comment: Nonsense variant predicted to result in protein truncation or nonsense mediated decay in a gene for which loss-of-function is a known mechanism of disease; Not observed at significant frequency in large population cohorts (Lek et al., 2016); Has not been previously published as pathogenic or benign to our knowledge; Located in the A-band region of titin, where the majority of truncating pathogenic variants associated with DCM have been reported (PMID: 22335739); This variant is associated with the following publications: (PMID: 23975875)